The following is an entry in ClinVar:

ClinVar aggregate classification (germline): Uncertain significance (1 of 4 stars; one submission).

Allele frequency attached by ClinVar (database versions not stated): gnomAD exomes 0.00001.
gnomAD v4.1: 6 of 1,550,134 alleles (0.00039%); highest among the groups gnomAD compares: South Asian, 0.0071%; no homozygotes.

Submission:

Labcorp Genetics (formerly Invitae), Labcorp
Classification: Uncertain significance. Last evaluated: 2022-07-16. Review status: criteria provided, single submitter. Criteria: Invitae Variant Classification Sherloc (09022015). Collection method: clinical testing. Allele origin: germline.
Comment: In summary, the available evidence is currently insufficient to determine the role of this variant in disease. Therefore, it has been classified as a Variant of Uncertain Significance. Variants that disrupt the consensus splice site are a relatively common cause of aberrant splicing (PMID: 17576681, 9536098). Algorithms developed to predict the effect of sequence changes on RNA splicing suggest that this variant is not likely to affect RNA splicing. This variant has not been reported in the literature in individuals affected with LOXHD1-related conditions. This variant is not present in population databases (gnomAD no frequency). This sequence change falls in intron 8 of the LOXHD1 gene. It does not directly change the encoded amino acid sequence of the LOXHD1 protein. It affects a nucleotide within the consensus splice site.

Literature cited by the submitters: PubMed 17576681; PubMed 9536098.

NM_001384474.1(LOXHD1):c.1134+4A>G

Gene: LOXHD1 (lipoxygenase homology PLAT domains 1; minus strand). Cytogenetic location: 18q21.1.
Variant type: single nucleotide variant.
Coding change: c.1134+4A>G on transcript NM_001384474.1 (MANE Select); 4 bases into the intron after coding-DNA position 1134, A replaced by G.
Molecular consequence: intron variant.
Genome position (GRCh38, 1-based): chr18:46,601,213, T>C on the plus strand (A>G on the coding strand, the complement: LOXHD1 is on the minus strand). VCF-style: chr18-46601213-T-C. GRCh37 (hg19) VCF-style: chr18-44181176-T-C.
Other names: c.1134+4A>G (NM_144612.7).
Identifiers: ClinVar variation 1948865 (VCV001948865.5), dbSNP rs2511953277, ClinGen allele CA2576497740.